The following is an entry in ClinVar:

NM_000059.4(BRCA2):c.8473_8475del (p.Ala2825del)

Gene: BRCA2 (BRCA2 DNA repair associated; plus strand). Cytogenetic location: 13q13.1.
Variant type: Deletion.
Coding change: c.8473_8475del on transcript NM_000059.4 (MANE Select); coding-DNA positions 8473 to 8475, 3 bases deleted (GCA; older notation c.8473_8475delGCA).
Protein change: p.Ala2825del; deletes alanine 2825.
Molecular consequence: inframe deletion.
Genome position (GRCh38, 1-based): chr13:32,370,543-32,370,545, GCA deleted; deleting any 3 consecutive bases within chr13:32,370,542-32,370,545 gives the same sequence; the c. name uses the placement nearest the transcript's 3' end. VCF-style (leftmost placement, unchanged base first): chr13-32370541-GAGC-G. GRCh37 (hg19) VCF-style: chr13-32944678-GAGC-G.
Other names: short protein forms A2825del.
Identifiers: ClinVar variation 1039685 (VCV001039685.9), dbSNP rs2072823339, ClinGen allele CA2082814338.

ClinVar aggregate classification (germline): Uncertain significance (1 of 4 stars; one submission).

Conditions:
Hereditary breast ovarian cancer syndrome. Also called: Hereditary breast and ovarian cancer syndrome; Hereditary breast and ovarian cancer syndrome (HBOC); BRCA1- and BRCA2-Associated Hereditary Breast and Ovarian Cancer; Hereditary breast and ovarian cancer; Hereditary breast and/or ovarian cancer syndrome; Breast and ovarian cancer. Identifiers: Orphanet 145, MedGen C0677776, MeSH D061325, MONDO:0003582. Disease mechanism: loss of function.

Submission:

Labcorp Genetics (formerly Invitae), Labcorp
Classification: Uncertain significance for Hereditary breast ovarian cancer syndrome. Last evaluated: 2020-05-11. Review status: criteria provided, single submitter. Criteria: Invitae Variant Classification Sherloc (09022015). Collection method: clinical testing. Allele origin: germline.
Comment: In summary, the available evidence is currently insufficient to determine the role of this variant in disease. Therefore, it has been classified as a Variant of Uncertain Significance. Experimental studies and prediction algorithms are not available or were not evaluated, and the functional significance of this variant is currently unknown. This variant has not been reported in the literature in individuals with BRCA2-related conditions. This variant is not present in population databases (ExAC no frequency). This variant, c.8473_8475del, results in the deletion of 1 amino acid(s) of the BRCA2 protein (p.Ala2825del), but otherwise preserves the integrity of the reading frame.